The following is an entry in ClinVar:

ClinVar aggregate classification (germline): Uncertain significance. Review status: criteria provided, multiple submitters, no conflicts (2 of 4 stars). 3 submissions from 3 submitters: Uncertain significance (3). Last evaluated 2025-09-27.

Conditions:
Tuberous sclerosis 1 (TSC1). Identifiers: Orphanet 805, MedGen C1854465, MONDO:0008612, OMIM 191100.
Hereditary cancer-predisposing syndrome. Also called: Neoplastic Syndromes, Hereditary; Hereditary neoplastic syndrome; Tumor predisposition; Hereditary Cancer Syndrome. Identifiers: Orphanet 140162, MedGen C0027672, MeSH D009386, MONDO:0015356.

gnomAD v4.1: 1 of 1,614,098 alleles (0.000062%); highest among the groups gnomAD compares: Non-Finnish European, 0.000085%; no homozygotes.

Submissions (3):

Labcorp Genetics (formerly Invitae), Labcorp
Classification: Uncertain significance for Tuberous sclerosis 1. Last evaluated: 2025-09-27. Review status: criteria provided, single submitter. Criteria: Invitae Variant Classification Sherloc (09022015). Collection method: clinical testing. Allele origin: germline.
Comment: This sequence change replaces alanine, which is neutral and non-polar, with valine, which is neutral and non-polar, at codon 260 of the TSC1 protein (p.Ala260Val). This variant is not present in population databases (gnomAD no frequency). This variant has not been reported in the literature in individuals affected with TSC1-related conditions. ClinVar contains an entry for this variant (Variation ID: 661408). Invitae Evidence Modeling of protein sequence and biophysical properties (such as structural, functional, and spatial information, amino acid conservation, physicochemical variation, residue mobility, and thermodynamic stability) has been performed for this missense variant. However, the output from this modeling did not meet the statistical confidence thresholds required to predict the impact of this variant on TSC1 protein function. In summary, the available evidence is currently insufficient to determine the role of this variant in disease. Therefore, it has been classified as a Variant of Uncertain Significance.

Ambry Genetics
Classification: Uncertain significance for Hereditary cancer-predisposing syndrome. Last evaluated: 2025-05-19. Review status: criteria provided, single submitter. Criteria: Ambry Variant Classification Scheme 2023. Collection method: clinical testing. Allele origin: germline.
Comment: The p.A260V variant (also known as c.779C>T), located in coding exon 7 of the TSC1 gene, results from a C to T substitution at nucleotide position 779. The alanine at codon 260 is replaced by valine, an amino acid with similar properties. This amino acid position is highly conserved in available vertebrate species. In addition, this alteration is predicted to be deleterious by in silico analysis. Since supporting evidence is limited at this time, the clinical significance of this alteration remains unclear.

Genome-Nilou Lab
Classification: Uncertain significance for Tuberous sclerosis 1. Last evaluated: 2021-11-07. Review status: criteria provided, single submitter. Criteria: ACMG Guidelines, 2015. Collection method: clinical testing. Allele origin: germline. Affected: no.

NM_000368.5(TSC1):c.779C>T (p.Ala260Val)

Gene: TSC1 (TSC complex subunit 1; minus strand). Cytogenetic location: 9q34.13.
Variant type: single nucleotide variant.
Coding change: c.779C>T on transcript NM_000368.5 (MANE Select); coding-DNA position 779, C replaced by T.
Protein change: p.Ala260Val; replaces alanine 260 with valine.
Molecular consequence: missense variant.
Genome position (GRCh38, 1-based): chr9:132,912,416, G>A on the plus strand (C>T on the coding strand, the complement: TSC1 is on the minus strand). VCF-style: chr9-132912416-G-A. GRCh37 (hg19) VCF-style: chr9-135787803-G-A.
Other names: c.779C>T, p.Ala260Val (NM_001162426.2); c.626C>T, p.Ala209Val (NM_001162427.2); c.416C>T, p.Ala139Val (NM_001362177.2); short protein forms A139V, A209V, A260V.
Identifiers: ClinVar variation 661408 (VCV000661408.16), dbSNP rs758617649, ClinGen allele CA375369562.